The following is an entry in ClinVar:

NM_018699.4(PRDM5):c.6G>T (p.Leu2=)

Gene: PRDM5 (PR/SET domain 5; minus strand). Cytogenetic location: 4q27.
Variant type: single nucleotide variant.
Coding change: c.6G>T on transcript NM_018699.4 (MANE Select); coding-DNA position 6, G replaced by T.
Protein change: p.Leu2=; no amino-acid change (leucine 2 retained).
Molecular consequence: synonymous variant.
Genome position (GRCh38, 1-based): chr4:120,922,603, C>A on the plus strand (G>T on the coding strand, the complement: PRDM5 is on the minus strand). VCF-style: chr4-120922603-C-A. GRCh37 (hg19) VCF-style: chr4-121843758-C-A.
Other names: c.6G>T, p.Leu2= (NM_001300823.2, NM_001300824.2, NM_001379104.1 and 1 more transcripts).
Identifiers: ClinVar variation 1327648 (VCV001327648.8), dbSNP rs745891819, ClinGen allele CA3061546.

ClinVar aggregate classification (germline): Conflicting classifications of pathogenicity. Review status: criteria provided, conflicting classifications (1 of 4 stars). 3 submissions from 3 submitters: Uncertain significance (1); Likely benign (2). Last evaluated 2025-12-23.

Conditions:
Cardiovascular phenotype. Identifiers: MedGen CN230736.

Allele frequency attached by ClinVar (database versions not stated): gnomAD exomes 0.00002 and 0.00006; ExAC 0.00003; TOPMed 0.00006; gnomAD 0.00008.
gnomAD v4.1: 101 of 1,604,624 alleles (0.0063%); highest among the groups gnomAD compares: Non-Finnish European, 0.008%; no homozygotes.

Submissions (3):

Labcorp Genetics (formerly Invitae), Labcorp
Classification: Likely benign. Last evaluated: 2025-12-23. Review status: criteria provided, single submitter. Criteria: Invitae Variant Classification Sherloc (09022015). Collection method: clinical testing. Allele origin: germline.

GeneDx
Classification: Uncertain significance. Last evaluated: 2021-06-09. Review status: criteria provided, single submitter. Criteria: GeneDx Variant Classification Process June 2021. Collection method: clinical testing. Allele origin: germline. Affected: yes.
Comment: Has not been previously published as pathogenic or benign to our knowledge; In silico analysis supports that this variant does not alter splicing; This variant is associated with the following publications: (PMID: 27535533)

Ambry Genetics
Classification: Likely benign for Cardiovascular phenotype. Last evaluated: 2019-12-05. Review status: criteria provided, single submitter. Criteria: Ambry Variant Classification Scheme 2023. Collection method: clinical testing. Allele origin: germline.